The following is an entry in ClinVar:

NM_001048174.2(MUTYH):c.107C>T (p.Ala36Val)

Gene: MUTYH (mutY DNA glycosylase; minus strand). Cytogenetic location: 1p34.1.
Variant type: single nucleotide variant.
Coding change: c.107C>T on transcript NM_001048174.2 (MANE Select); coding-DNA position 107, C replaced by T.
Protein change: p.Ala36Val; replaces alanine 36 with valine.
Molecular consequence: missense variant. On other transcripts: 5 prime UTR variant (7), non-coding transcript variant (7).
Genome position (GRCh38, 1-based): chr1:45,334,399, G>A on the plus strand (C>T on the coding strand, the complement: MUTYH is on the minus strand). VCF-style: chr1-45334399-G-A. GRCh37 (hg19) VCF-style: chr1-45800071-G-A.
Other names: c.-106C>T (NM_001293196.2, NM_001407091.1, NM_001293192.2); c.149C>T, p.Ala50Val (NM_001128425.2, NM_001293190.2, NM_001407069.1 and 2 more transcripts); c.-165C>T (NM_001350650.2); c.-101C>T (NM_001350651.2, NM_001407082.1); c.107C>T, p.Ala36Val (NM_001407070.1, NM_001293191.2, NM_001407071.1 and 15 more transcripts); c.-50C>T (NM_001407075.1); c.125C>T, p.Ala42Val (NM_001407087.1); short protein forms A50V, A42V, A36V.
Identifiers: ClinVar variation 4113290 (VCV004113290.1).

ClinVar aggregate classification (germline): Uncertain significance (1 of 4 stars; one submission).

Conditions:
Hereditary cancer-predisposing syndrome. Also called: Tumor predisposition; Neoplastic Syndromes, Hereditary; Hereditary neoplastic syndrome; Hereditary Cancer Syndrome. Identifiers: Orphanet 140162, MedGen C0027672, MeSH D009386, MONDO:0015356.

Submission:

Ambry Genetics
Classification: Uncertain significance for Hereditary cancer-predisposing syndrome. Last evaluated: 2025-08-27. Review status: criteria provided, single submitter. Criteria: Ambry Variant Classification Scheme 2023. Collection method: clinical testing. Allele origin: germline.
Comment: The p.A50V variant (also known as c.149C>T), located in coding exon 2 of the MUTYH gene, results from a C to T substitution at nucleotide position 149. The alanine at codon 50 is replaced by valine, an amino acid with similar properties. This amino acid position is conserved. In addition, this alteration is predicted to be tolerated by in silico analysis. Based on the available evidence, the clinical significance of this variant remains unclear.